The following is an entry in ClinVar:

NM_000051.4(ATM):c.3949A>C (p.Lys1317Gln)

Gene: ATM (ATM serine/threonine kinase; plus strand). Cytogenetic location: 11q22.3.
Variant type: single nucleotide variant.
Coding change: c.3949A>C on transcript NM_000051.4 (MANE Select); coding-DNA position 3949, A replaced by C.
Protein change: p.Lys1317Gln; replaces lysine 1317 with glutamine.
Molecular consequence: missense variant.
Genome position (GRCh38, 1-based): chr11:108,284,429, A>C. VCF-style: chr11-108284429-A-C. GRCh37 (hg19) VCF-style: chr11-108155156-A-C.
Other names: c.3949A>C, p.Lys1317Gln (NM_001351834.2); short protein forms K1317Q.
Identifiers: ClinVar variation 998456 (VCV000998456.9), dbSNP rs2082387020, ClinGen allele CA382526000.

ClinVar aggregate classification (germline): Uncertain significance (1 of 4 stars; one submission).

Conditions:
Ataxia-telangiectasia syndrome (AT). Also called: Ataxia-telangiectasia, complementation group D; AT, COMPLEMENTATION GROUP C; ATAXIA-TELANGIECTASIA, FRESNO VARIANT; ATAXIA-TELANGIECTASIA, COMPLEMENTATION GROUP A; Ataxia-telangiectasia, complementation group E; Ataxia telangiectasia (A-T). Identifiers: Orphanet 100, MedGen C0004135, MONDO:0008840, OMIM 208900.

Submission:

Labcorp Genetics (formerly Invitae), Labcorp
Classification: Uncertain significance for Ataxia-telangiectasia syndrome. Last evaluated: 2020-01-05. Review status: criteria provided, single submitter. Criteria: Invitae Variant Classification Sherloc (09022015). Collection method: clinical testing. Allele origin: germline.
Comment: This variant is not present in population databases (ExAC no frequency). This sequence change replaces lysine with glutamine at codon 1317 of the ATM protein (p.Lys1317Gln). The lysine residue is moderately conserved and there is a small physicochemical difference between lysine and glutamine. In summary, the available evidence is currently insufficient to determine the role of this variant in disease. Therefore, it has been classified as a Variant of Uncertain Significance. Algorithms developed to predict the effect of missense changes on protein structure and function (SIFT, PolyPhen-2, Align-GVGD) all suggest that this variant is likely to be tolerated, but these predictions have not been confirmed by published functional studies and their clinical significance is uncertain. This variant has not been reported in the literature in individuals with ATM-related conditions.